The following is an entry in ClinVar:

NM_000038.6(APC):c.1544A>G (p.Asn515Ser)

Gene: APC (APC regulator of Wnt signaling pathway; plus strand). Cytogenetic location: 5q22.2.
Variant type: single nucleotide variant.
Coding change: c.1544A>G on transcript NM_000038.6 (MANE Select); coding-DNA position 1544, A replaced by G.
Protein change: p.Asn515Ser; replaces asparagine 515 with serine.
Molecular consequence: missense variant.
Genome position (GRCh38, 1-based): chr5:112,827,243, A>G. VCF-style: chr5-112827243-A-G. GRCh37 (hg19) VCF-style: chr5-112162940-A-G.
Other names: c.1544A>G, p.Asn515Ser (NM_001127510.3, NM_001354895.2, NM_001407450.1); c.1490A>G, p.Asn497Ser (NM_001127511.3); c.1598A>G, p.Asn533Ser (NM_001354896.2, NM_001407447.1, NM_001407448.1 and 1 more transcripts); c.1574A>G, p.Asn525Ser (NM_001354897.2); c.1469A>G, p.Asn490Ser (NM_001354898.2); c.1460A>G, p.Asn487Ser (NM_001354899.2); c.1421A>G, p.Asn474Ser (NM_001354900.2); c.1367A>G, p.Asn456Ser (NM_001354901.2, NM_001407453.1); and 11 more; short protein forms N355S, N432S, N456S, N474S, N508S, N515S, N232S, N424S.
Identifiers: ClinVar variation 1774899 (VCV001774899.3), dbSNP rs2149810509, ClinGen allele CA16024680.
Genomic context (GRCh38, chr5:112,827,243, plus strand): 5'-TTACACTAAGACGATATGCTGGAATGGCTTTGACAAACTTGACTTTTGGAGATGTAGCCA[A>G]CAAGGTATGTTTTTATAACATGTATTTCTTAAGATAGCTCAGGTATGAGTTAATTTACTT-3'
Protein context (NP_000029.2, residues 505-525): LTNLTFGDVA[Asn515Ser]KATLCSMKGC

ClinVar aggregate classification (germline): Uncertain significance. Review status: criteria provided, multiple submitters, no conflicts (2 of 4 stars). 2 submissions from 2 submitters: Uncertain significance (2). Last evaluated 2022-05-04.

Conditions:
Hereditary cancer-predisposing syndrome. Also called: Hereditary Cancer Syndrome; Hereditary neoplastic syndrome; Neoplastic Syndromes, Hereditary; Tumor predisposition. Identifiers: Orphanet 140162, MedGen C0027672, MeSH D009386, MONDO:0015356.

Submissions (2):

Blueprint Genetics
Classification: Uncertain significance. Last evaluated: 2022-05-04. Review status: criteria provided, single submitter. Criteria: ACMG Guidelines, 2015. Collection method: clinical testing. Allele origin: germline.

Ambry Genetics
Classification: Uncertain significance for Hereditary cancer-predisposing syndrome. Last evaluated: 2020-11-23. Review status: criteria provided, single submitter. Criteria: Ambry Variant Classification Scheme 2023. Collection method: clinical testing. Allele origin: germline.
Comment: The p.N515S variant (also known as c.1544A>G), located in coding exon 11 of the APC gene, results from an A to G substitution at nucleotide position 1544. The asparagine at codon 515 is replaced by serine, an amino acid with highly similar properties. This amino acid position is highly conserved in available vertebrate species. In addition, in silico predictors for this gene do not accurately predict pathogenicity. Since supporting evidence is limited at this time, the clinical significance of this alteration remains unclear.